The following is an entry in ClinVar:

ClinVar aggregate classification (germline): Pathogenic (1 of 4 stars; one submission).

Allele frequency attached by ClinVar (database versions not stated): gnomAD exomes below 0.00001.

Submission:

Labcorp Genetics (formerly Invitae), Labcorp
Classification: Pathogenic. Last evaluated: 2023-01-05. Review status: criteria provided, single submitter. Criteria: Invitae Variant Classification Sherloc (09022015). Collection method: clinical testing. Allele origin: germline.
Comment: For these reasons, this variant has been classified as Pathogenic. ClinVar contains an entry for this variant (Variation ID: 567465). This variant has not been reported in the literature in individuals affected with POLE-related conditions. This variant is not present in population databases (gnomAD no frequency). This sequence change creates a premature translational stop signal (p.Gln1808Argfs*11) in the POLE gene. It is expected to result in an absent or disrupted protein product. Loss-of-function variants in POLE are known to be pathogenic (PMID: 23230001, 25948378, 30503519).

Literature cited by the submitters: PubMed 23230001; PubMed 25948378; PubMed 30503519.

NM_006231.4(POLE):c.5423del (p.Gln1808fs)

Gene: POLE (DNA polymerase epsilon, catalytic subunit; minus strand). Cytogenetic location: 12q24.33.
Variant type: Deletion.
Coding change: c.5423del on transcript NM_006231.4 (MANE Select); coding-DNA position 5423, one base deleted (A; older notation c.5423delA).
Protein change: p.Gln1808fs; shifts the reading frame from glutamine 1808.
Molecular consequence: frameshift variant.
Genome position (GRCh38, 1-based): chr12:132,639,254, T deleted on the plus strand (A on the coding strand, the reverse complement: POLE is on the minus strand). VCF-style (leftmost placement, unchanged base first): chr12-132639253-CT-C. GRCh37 (hg19) VCF-style: chr12-133215839-CT-C.
Other names: c.5423delA (NM_006231.3); short protein forms Q1808fs.
Identifiers: ClinVar variation 567465 (VCV000567465.8), dbSNP rs1565933220, ClinGen allele CA891843957.